The following is an entry in ClinVar:

NM_000334.4(SCN4A):c.3386G>A (p.Arg1129Gln)

Genes: GH-LCR (growth hormone locus control region; plus strand), SCN4A (sodium voltage-gated channel alpha subunit 4; minus strand). Cytogenetic location: 17q23.3.
Variant type: single nucleotide variant.
Coding change: c.3386G>A on transcript NM_000334.4 (MANE Select); coding-DNA position 3386, G replaced by A.
Protein change: p.Arg1129Gln; replaces arginine 1129 with glutamine.
Molecular consequence: missense variant.
Genome position (GRCh38, 1-based): chr17:63,947,100, C>T on the plus strand (G>A on the coding strand, the complement: SCN4A is on the minus strand). VCF-style: chr17-63947100-C-T. GRCh37 (hg19) VCF-style: chr17-62024460-C-T.
Other names: short protein forms R1129Q.
Identifiers: ClinVar variation 143200 (VCV000143200.29), dbSNP rs527236149, ClinGen allele CA345719.

ClinVar aggregate classification (germline): Conflicting classifications of pathogenicity. Review status: criteria provided, conflicting classifications (1 of 4 stars). 11 submissions from 11 submitters: Pathogenic (1); Likely pathogenic (4); Uncertain significance (5). 1 of the submissions does not count toward it. Last evaluated 2025-10-21.

Conditions:
SCN4A-related channelopathies.
Potassium-aggravated myotonia. Also called: MYOTONIA CONGENITA, ACETAZOLAMIDE-RESPONSIVE; MYOTONIA CONGENITA, ATYPICAL; SODIUM CHANNEL MUSCLE DISEASE; Myotonia congenita, atypical, acetazolamide-responsive. Identifiers: Orphanet 612, Orphanet 99734, Orphanet 99735, Orphanet 99736, MedGen C2931826, MONDO:0018959, OMIM 608390.
Hyperkalemic periodic paralysis. Also called: Familial hyperkalemic periodic paralysis; Gamstorp disease. Identifiers: Orphanet 682, MedGen C0238357, MONDO:0008224, OMIM 170500, HP:0007215.
Congenital myopathy 22A, classic (CMYO22A). Identifiers: MedGen C5830453, MONDO:0957247, OMIM 620351.
Congenital myopathy 22B, severe fetal (CMYO22B). Identifiers: MedGen C5830501, MONDO:0957265, OMIM 620369.
Paramyotonia congenita of Von Eulenburg. Also called: PARALYSIS PERIODICA PARAMYOTONICA; Eulenburg disease; Myotonia congenita intermittens; Von Eulenburg paramyotonia congenita; Paramyotonia Congenita. Identifiers: Orphanet 684, MedGen C0221055, MONDO:0008195, OMIM 168300. Disease mechanism: loss of function.
Hypokalemic periodic paralysis, type 2 (HOKPP2). Identifiers: Orphanet 681, MedGen C2750061, MONDO:0013234, OMIM 613345.
Congenital myasthenic syndrome 16. Identifiers: Orphanet 590, MedGen C3280112, MONDO:0013620, OMIM 614198.

Allele frequency attached by ClinVar (database versions not stated): gnomAD 0.00003; TOPMed 0.00004; gnomAD exomes 0.00008 and 0.00002; ExAC 0.00010.
gnomAD v4.1: 30 of 1,613,500 alleles (0.0019%); highest among the groups gnomAD compares: Admixed American, 0.023%; no homozygotes.

Submissions (11):

Labcorp Genetics (formerly Invitae), Labcorp
Classification: Pathogenic for Hyperkalemic periodic paralysis. Last evaluated: 2025-10-21. Review status: criteria provided, single submitter. Criteria: Invitae Variant Classification Sherloc (09022015). Collection method: clinical testing. Allele origin: germline.
Comment: This sequence change replaces arginine, which is basic and polar, with glutamine, which is neutral and polar, at codon 1129 of the SCN4A protein (p.Arg1129Gln). This variant is present in population databases (rs527236149, gnomAD 0.04%). This missense change has been observed in individual(s) with autosomal dominant hypokalaemic and normokalaemic periodic paralysis (PMID: 20522878). It has also been observed to segregate with disease in related individuals. ClinVar contains an entry for this variant (Variation ID: 143200). Invitae Evidence Modeling of protein sequence and biophysical properties (such as structural, functional, and spatial information, amino acid conservation, physicochemical variation, residue mobility, and thermodynamic stability) indicates that this missense variant is expected to disrupt SCN4A protein function with a positive predictive value of 80%. For these reasons, this variant has been classified as Pathogenic.

Variantyx, Inc.
Classification: Likely pathogenic for Hypokalemic periodic paralysis, type 2. Last evaluated: 2025-09-03. Review status: criteria provided, single submitter. Criteria: Variantyx Assertion Criteria 2022. Collection method: clinical testing. Allele origin: germline. Inheritance: Autosomal dominant inheritance. Affected: yes.
Comment: This is a nonsynonymous variant in the SCN4A gene (OMIM: 603967). Pathogenic variants in this gene have been associated with autosomal dominant hypokalemic periodic paralysis type 2. This variant has been reported in at least two unrelated affected individuals (PMID:38127101, 20522878) (PS4), and it has been observed to segregate with disease in at least 7 individuals from one family (PMID: 20522878) (PP1_Moderate). The alteration lies within a known hotspot for pathogenic variants or a well-established critical functional domain of the SCN4A protein (PMID: 20522878) (PM1), and multiple computational algorithms predict a deleterious effect for this variant (REVEL score: 0.941) (PP3). This variant has a 0.0233% maximum allele frequency in non-founder control populations. Based on the current evidence, this variant is classified as likely pathogenic for autosomal dominant hypokalemic periodic paralysis type 2. Inheritance from an unaffected parent or a parent with unknown affected status has been reported, consistent with incomplete penetrance (PMID:20301512)

Dasa
Classification: Likely pathogenic. Last evaluated: 2024-08-01. Review status: criteria provided, single submitter. Criteria: DASA Assertion Criteria. Collection method: clinical testing. Allele origin: germline.
Comment: NM_000334.4(SCN4A):c.3386G>A (p.Arg1129Gln) is a missense variant that results in the substitution of arginine with glutamine. The affected residue or protein region has prior evidence supporting clinical relevance. This variant has been reported in individuals with SCN4A-related disorders (PMID: 20522878). Segregation data support an association with disease in the reported family/families (PMID: 20522878). Also, this variant is rare in population databases. Computational evidence supports a deleterious effect. Based on the currently available evidence, this variant is classified as likely pathogenic.

Genomic Medicine Center of Excellence, King Faisal Specialist Hospital and Research Centre
Classification: Uncertain significance for Hyperkalemic periodic paralysis. Last evaluated: 2024-04-04. Review status: criteria provided, single submitter. Criteria: ACMG Guidelines, 2015. Collection method: clinical testing. Allele origin: germline.

Fulgent Genetics
Classification: Uncertain significance for Paramyotonia congenita of Von Eulenburg; Hyperkalemic periodic paralysis; Potassium-aggravated myotonia; Hypokalemic periodic paralysis, type 2; Congenital myasthenic syndrome 16; Congenital myopathy 22A, classic; Congenital myopathy 22B, severe fetal. Last evaluated: 2024-01-06. Review status: criteria provided, single submitter. Criteria: ACMG Guidelines, 2015. Collection method: clinical testing. Allele origin: germline.

Illumina Laboratory Services, Illumina
Classification: Uncertain significance for SCN4A-related channelopathies. Last evaluated: 2023-12-12. Review status: criteria provided, single submitter. Criteria: ISL SNV Classification Criteria 03 February 2026. Collection method: clinical testing. Allele origin: unknown.
Comment: The SCN4A c.3386G>A p.(Arg1129Gln) missense variant has been reported to segregate with disease in eight affected individuals from a family with hypokalaemic and normokalaemic periodic paralysis (PMID: 20522878). It was also identified in a heterozygous state in an individual with myotonia and Duchenne muscular dystrophy who was also hemizygous for a pathogenic variant in the DMD gene (PMID: 31407473). The highest frequency of this variant is 0.000233 in the Admixed American population of the Genome Aggregation Database (version 4.0.0). This frequency may be high relative to the prevalence of this disorder. Multiple lines of computational evidence suggest the p.(Arg1129Gln) variant may impact the gene or gene product. This variant replaces a positively charged arginine residue within a voltage sensor S4 segment of the channel, which is a known mechanism of disease (PMID: 20301512). Based on the available evidence, the c.3386G>A p.(Arg1129Gln) variant is classified as a variant of uncertain significance for SCN4A-related skeletal muscle channelopathies.

GeneDx
Classification: Uncertain significance. Last evaluated: 2022-12-12. Review status: criteria provided, single submitter. Criteria: GeneDx Variant Classification Process June 2021. Collection method: clinical testing. Allele origin: germline. Affected: yes.
Comment: Identified in several affected individuals from a single family with both normokalemic and hypokalemic periodic paralysis in published literature (Hong et al., 2010); Identified heterozygous in a patient with limb girdle muscular dystrophy and myotonia who also harbored a hemizygous variant in the DMD gene that may have been contributing to the phenotype (Krenn et al., 2020); In silico analysis supports that this missense variant has a deleterious effect on protein structure/function; This variant is associated with the following publications: (PMID: 15596759, 34671263, 30420713, 34608571, 20108424, 31708864, 20301512, 31407473, 20522878)

Institute of Human Genetics Munich, TUM University Hospital
Classification: Likely pathogenic for Paramyotonia congenita of Von Eulenburg. Last evaluated: 2019-06-07. Review status: criteria provided, single submitter. Criteria: Classification criteria August 2017. Collection method: clinical testing. Allele origin: germline. Inheritance: Autosomal dominant inheritance. Affected: yes. Observed: 1 heterozygote.

Eurofins Ntd Llc (ga)
Classification: Uncertain significance. Last evaluated: 2015-09-29. Review status: criteria provided, single submitter. Criteria: EGL Classification Definitions 2015. Collection method: clinical testing. Allele origin: germline. Observed: 1 variant allele, 1 heterozygote.

Juno Genomics, Hangzhou Juno Genomics, Inc
Classification: Likely pathogenic for Hypokalemic periodic paralysis, type 2. Review status: criteria provided, single submitter. Criteria: ACMG Guidelines, 2015. Collection method: clinical testing. Allele origin: germline.
Comment: Absent from controls (or at extremely low frequency if recessive) in Genome Aggregation Database.;Multiple lines of computational evidence support a deleterious effect on the gene or gene product.;Co-segregation with disease in multiple affected family members.

GeneReviews
No classification provided. Condition: Hypokalemic periodic paralysis, type 2. Review status: no classification provided. Collection method: literature only. Allele origin: germline. Not counted in ClinVar's aggregate classification.

Literature cited by the submitters: PubMed 20522878 (cited by 4 submitters); PubMed 20301512 (cited by Variantyx, Inc. and Illumina Laboratory Services, Illumina); PubMed 31407473 (cited by Illumina Laboratory Services, Illumina).